The following is an entry in ClinVar:

NM_001330311.2(DVL1):c.691G>C (p.Ala231Pro)

Gene: DVL1 (dishevelled segment polarity protein 1; minus strand). Cytogenetic location: 1p36.33.
Variant type: single nucleotide variant.
Coding change: c.691G>C on transcript NM_001330311.2 (MANE Select); coding-DNA position 691, G replaced by C.
Protein change: p.Ala231Pro; replaces alanine 231 with proline.
Molecular consequence: missense variant.
Genome position (GRCh38, 1-based): chr1:1,340,418, C>G on the plus strand (G>C on the coding strand, the complement: DVL1 is on the minus strand). VCF-style: chr1-1340418-C-G. GRCh37 (hg19) VCF-style: chr1-1275798-C-G.
Other names: c.691G>C, p.Ala231Pro (NM_004421.3); short protein forms A231P.
Identifiers: ClinVar variation 1699457 (VCV001699457.3), dbSNP rs2100735835, ClinGen allele CA337871822.
Genomic context (GRCh38, chr1:1,340,418, plus strand): 5'-CCGACACTGACTTCGCCTCCCCAGCCCCGCCCTGCTCCACCCGGCTGCCTACCCGGTCCG[C>G]CTGCCGAAGGCGCTGCTTCCTCCGCCGGCGTTTGTGCTTCCGGATGAGTCTGGATGAGGT-3'
Protein context (NP_001317240.1, residues 221-241): RRRRKQRLRQ[Ala231Pro]DRASSFSSIT

ClinVar aggregate classification (germline): Uncertain significance (1 of 4 stars; one submission).

Conditions:
Autosomal dominant Robinow syndrome 2. Identifiers: Orphanet 3107, Orphanet 97360, MedGen C4225363, MONDO:0014591, OMIM 616331.

Submission:

Victorian Clinical Genetics Services, Murdoch Childrens Research Institute
Classification: Uncertain significance for Autosomal dominant Robinow syndrome 2. Last evaluated: 2020-05-25. Review status: criteria provided, single submitter. Criteria: ACMG Guidelines, 2015. Collection method: clinical testing. Allele origin: germline. Inheritance: Autosomal dominant inheritance. Affected: yes.
Comment: Based on the classification scheme VCGS_Germline_v1.1.1, this variant is classified as 3C-VUS. Following criteria are met: 0101 - Gain-of-function is a known mechanism of disease for this gene. (N) 0107 - This gene is known to be associated with autosomal dominant disease. (N) 0200 - Variant is predicted to result in a missense amino acid change from an alanine to a proline (exon 6). (N) 0251 - Variant is heterozygous. (N) 0301 - Variant is absent from gnomAD. (P) 0309 - Alternative amino acid changes at the same position have been observed in gnomAD (33 heterozygotes; 0 homozygotes). (N) 0503 - Missense variant consistently predicted to be tolerated and not conserved in mammals with a minor amino acid change. (B) 0600 - Variant is located in an annotated domain or motif (dishevelled; PDB, NCBI). (N) 0705 - No comparable variants have previous evidence for pathogenicity. (N) 0807 - Variant has not previously been reported in a clinical context. (N) 0905 - No segregation evidence has been identified for this variant. (N) 1007 - No published functional evidence has been identified for this variant. (N) 1208 - Inheritance information for this variant is not currently available. (N) Legend: (P) - Pathogenic, (N) - Neutral, (B) - Benign